The following is an entry in ClinVar:

ClinVar aggregate classification (germline): Likely benign (0 of 4 stars; one submission).

Conditions:
SEMA3C-related disorder. Also called: SEMA3C-related condition.

Allele frequency attached by ClinVar (database versions not stated): gnomAD exomes 0.00001; ExAC 0.00002; gnomAD 0.00003; TOPMed 0.00003; 1000 Genomes Project 30x 0.00016; 1000 Genomes Project 0.00020.
gnomAD v4.1: 23 of 1,613,350 alleles (0.0014%); highest among the groups gnomAD compares: East Asian, 0.029%; no homozygotes.

Submission:

PreventionGenetics, part of Exact Sciences
Classification: Likely benign for SEMA3C-related condition. Last evaluated: 2023-05-11. Review status: no assertion criteria provided. Collection method: clinical testing. Allele origin: germline.
Comment: This variant is classified as likely benign based on ACMG/AMP sequence variant interpretation guidelines (Richards et al. 2015 PMID: 25741868, with internal and published modifications).

NM_006379.5(SEMA3C):c.1806G>A (p.Lys602=)

Gene: SEMA3C (semaphorin 3C; minus strand). Cytogenetic location: 7q21.11.
Variant type: single nucleotide variant.
Coding change: c.1806G>A on transcript NM_006379.5 (MANE Select); coding-DNA position 1806, G replaced by A.
Protein change: p.Lys602=; no amino-acid change (lysine 602 retained).
Molecular consequence: synonymous variant.
Genome position (GRCh38, 1-based): chr7:80,748,934, C>T on the plus strand (G>A on the coding strand, the complement: SEMA3C is on the minus strand). VCF-style: chr7-80748934-C-T. GRCh37 (hg19) VCF-style: chr7-80378250-C-T.
Other names: c.1860G>A, p.Lys620= (NM_001350120.2); c.1632G>A, p.Lys544= (NM_001350121.2).
Identifiers: ClinVar variation 3046178 (VCV003046178.2), dbSNP rs200270612, ClinGen allele CA4315980.